The following is an entry in ClinVar:

NM_000051.4(ATM):c.1991C>A (p.Thr664Asn)

Gene: ATM (ATM serine/threonine kinase; plus strand). Cytogenetic location: 11q22.3.
Variant type: single nucleotide variant.
Coding change: c.1991C>A on transcript NM_000051.4 (MANE Select); coding-DNA position 1991, C replaced by A.
Protein change: p.Thr664Asn; replaces threonine 664 with asparagine.
Molecular consequence: missense variant.
Genome position (GRCh38, 1-based): chr11:108,253,906, C>A. VCF-style: chr11-108253906-C-A. GRCh37 (hg19) VCF-style: chr11-108124633-C-A.
Other names: c.1991C>A, p.Thr664Asn (NM_001351834.2); short protein forms T664N.
Identifiers: ClinVar variation 633049 (VCV000633049.3), dbSNP rs1231343218, ClinGen allele CA382536965.
Genomic context (GRCh38, chr11:108,253,906, plus strand): 5'-CATTCTCAGAAGTAGAAGAACTATTTCTTCAGACAACTTTTGACAAGATGGACTTTTTAA[C>A]CATTGTGAGAGAATGTGGTATAGAAAAGCACCAGTCCAGTATTGGCTTCTCTGTCCACCA-3'
Protein context (NP_000042.3, residues 654-674): QTTFDKMDFL[Thr664Asn]IVRECGIEKH

ClinVar aggregate classification (germline): Uncertain significance. Review status: criteria provided, multiple submitters, no conflicts (2 of 4 stars). 2 submissions from 2 submitters: Uncertain significance (2). Last evaluated 2024-03-02.

Conditions:
Ataxia-telangiectasia syndrome (AT). Also called: Ataxia-telangiectasia, complementation group D; AT, COMPLEMENTATION GROUP C; Ataxia-telangiectasia; ATAXIA-TELANGIECTASIA, COMPLEMENTATION GROUP A; ATAXIA-TELANGIECTASIA, FRESNO VARIANT; LOUIS-BAR SYNDROME. Identifiers: Orphanet 100, MedGen C0004135, MONDO:0008840, OMIM 208900.

Allele frequency attached by ClinVar (database versions not stated): gnomAD exomes below 0.00001.
gnomAD v4.1: 1 of 1,614,012 alleles (0.000062%); highest among the groups gnomAD compares: East Asian, 0.0022%; no homozygotes.

Submissions (2):

Labcorp Genetics (formerly Invitae), Labcorp
Classification: Uncertain significance for Ataxia-telangiectasia syndrome. Last evaluated: 2024-03-02. Review status: criteria provided, single submitter. Criteria: Invitae Variant Classification Sherloc (09022015). Collection method: clinical testing. Allele origin: germline.
Comment: This sequence change replaces threonine, which is neutral and polar, with asparagine, which is neutral and polar, at codon 664 of the ATM protein (p.Thr664Asn). This variant is present in population databases (no rsID available, gnomAD 0.006%). This variant has not been reported in the literature in individuals affected with ATM-related conditions. ClinVar contains an entry for this variant (Variation ID: 633049). An algorithm developed to predict the effect of missense changes on protein structure and function (PolyPhen-2) suggests that this variant is likely to be tolerated. In summary, the available evidence is currently insufficient to determine the role of this variant in disease. Therefore, it has been classified as a Variant of Uncertain Significance.

Women's Health and Genetics/Laboratory Corporation of America, LabCorp
Classification: Uncertain significance. Last evaluated: 2017-09-12. Review status: criteria provided, single submitter. Criteria: LabCorp Variant Classification Summary - May 2015. Collection method: clinical testing. Allele origin: germline.
Comment: Variant summary: The ATM c.1991C>A (p.Thr664Asn) variant involves the alteration of a non-conserved nucleotide. 2/3 in silico tools predict a damaging outcome for this variant. This variant was found in 1/246156 control chromosomes at a frequency of 0.0000041, which does not exceed the estimated maximal expected allele frequency of a pathogenic ATM variant (0.0010005). The variant of interest has not, to our knowledge, been reported in affected individuals via publications and/or reputable databases/clinical diagnostic laboratories; nor evaluated for functional impact by in vivo/vitro studies. Because of the absence of clinical information and the lack of functional studies, the variant is classified as a variant of uncertain significance (VUS) until additional information becomes available.